The following is an entry in ClinVar:

NM_000094.4(COL7A1):c.105C>A (p.Tyr35Ter)

Gene: COL7A1 (collagen type VII alpha 1 chain; minus strand). Cytogenetic location: 3p21.31.
Variant type: single nucleotide variant.
Coding change: c.105C>A on transcript NM_000094.4 (MANE Select); coding-DNA position 105, C replaced by A.
Protein change: p.Tyr35Ter; replaces tyrosine 35 with a stop codon.
Molecular consequence: nonsense.
Genome position (GRCh38, 1-based): chr3:48,594,529, G>T on the plus strand (C>A on the coding strand, the complement: COL7A1 is on the minus strand). VCF-style: chr3-48594529-G-T. GRCh37 (hg19) VCF-style: chr3-48631962-G-T.
Other names: short protein forms Y35*.
Identifiers: ClinVar variation 1071675 (VCV001071675.5), dbSNP rs751325519, ClinGen allele CA2381644.

ClinVar aggregate classification (germline): Pathogenic (1 of 4 stars; one submission).

Allele frequency attached by ClinVar (database versions not stated): gnomAD exomes below 0.00001; ExAC 0.00001.
gnomAD v4.1: 3 of 1,605,042 alleles (0.00019%); highest among the groups gnomAD compares: East Asian, 0.0022%; no homozygotes.

Submission:

Labcorp Genetics (formerly Invitae), Labcorp
Classification: Pathogenic. Last evaluated: 2022-02-02. Review status: criteria provided, single submitter. Criteria: Invitae Variant Classification Sherloc (09022015). Collection method: clinical testing. Allele origin: germline.
Comment: Algorithms developed to predict the effect of sequence changes on RNA splicing suggest that this variant may create or strengthen a splice site. This sequence change creates a premature translational stop signal (p.Tyr35*) in the COL7A1 gene. It is expected to result in an absent or disrupted protein product. Loss-of-function variants in COL7A1 are known to be pathogenic (PMID: 16971478). The frequency data for this variant in the population databases is considered unreliable, as metrics indicate poor data quality at this position in the gnomAD database. This variant has not been reported in the literature in individuals affected with COL7A1-related conditions. ClinVar contains an entry for this variant (Variation ID: 1071675). For these reasons, this variant has been classified as Pathogenic.

Literature cited by the submitters: PubMed 16971478.